The following is an entry in ClinVar:

ClinVar aggregate classification (germline): Pathogenic (1 of 4 stars; one submission).

Submission:

Quest Diagnostics Nichols Institute San Juan Capistrano
Classification: Pathogenic. Last evaluated: 2022-12-17. Review status: criteria provided, single submitter. Criteria: ACMG/ClinGen CNV Guidelines, 2019. Collection method: clinical testing. Allele origin: unknown.
Comment: The copy number loss of Yp11.31p11.2 involves multiple protein-coding genes, including SRY (OMIM 480000). Haploinsufficiency and loss of function variants of SRY are associated with Y-linked 46,XY sex reversal (SRXY1; OMIM 400044, Rehm 2015). Thus, this copy number variant (CNV) is classified as pathogenic. Reference: Rehm et al., N Engl J Med. 2015 Jun 4;372(23):2235-42. PMID: 26014595 HGNC:11311

GRCh37/hg19 Yp11.31-11.2(chrY:2650141-6312530)x0

Genes: FAM197Y9 (family with sequence similarity 197 Y-linked member 9; minus strand), PCDH11Y (protocadherin 11 Y-linked; plus strand), RPS4Y1 (ribosomal protein S4 Y-linked 1; plus strand), SRY (sex determining region Y; minus strand), TGIF2LY (TGFB induced factor homeobox 2 like Y-linked; plus strand) and 6 more. Cytogenetic location: Yp11.31-11.2.
Variant type: copy number loss.
Change: copy number 0 of chrY:2,650,141-6,312,530 (3.66 Mb, GRCh37 coordinates, 1-based), cytogenetic band Yp11.31-11.2.
Identifiers: ClinVar variation 2685199 (VCV002685199.1).